The following is an entry in ClinVar:

NM_198578.4(LRRK2):c.6792G>T (p.Leu2264Phe)

Gene: LRRK2 (leucine rich repeat kinase 2; plus strand). Cytogenetic location: 12q12.
Variant type: single nucleotide variant.
Coding change: c.6792G>T on transcript NM_198578.4 (MANE Select); coding-DNA position 6792, G replaced by T.
Protein change: p.Leu2264Phe; replaces leucine 2264 with phenylalanine.
Molecular consequence: missense variant.
Genome position (GRCh38, 1-based): chr12:40,356,136, G>T. VCF-style: chr12-40356136-G-T. GRCh37 (hg19) VCF-style: chr12-40749938-G-T.
Other names: short protein forms L2264F.
Identifiers: ClinVar variation 1755462 (VCV001755462.2), dbSNP rs983316972, ClinGen allele CA384410093.

ClinVar aggregate classification (germline): Uncertain significance (1 of 4 stars; one submission).

Conditions:
Inborn genetic diseases. Identifiers: MedGen C0950123, MeSH D030342.

gnomAD v4.1: 1 of 1,611,896 alleles (0.000062%); highest among the groups gnomAD compares: Admixed American, 0.0017%; no homozygotes.

Submission:

Ambry Genetics
Classification: Uncertain significance for Inborn genetic diseases. Last evaluated: 2024-01-27. Review status: criteria provided, single submitter. Criteria: Ambry Variant Classification Scheme 2023. Collection method: clinical testing. Allele origin: germline.
Comment: The p.L2264F variant (also known as c.6792G>T), located in coding exon 46 of the LRRK2 gene, results from a G to T substitution at nucleotide position 6792. The leucine at codon 2264 is replaced by phenylalanine, an amino acid with highly similar properties. This amino acid position is conserved. In addition, this alteration is predicted to be tolerated by in silico analysis. Since supporting evidence is limited at this time, the clinical significance of this alteration remains unclear.